The following is an entry in ClinVar:

ClinVar aggregate classification (germline): Uncertain significance (1 of 4 stars; one submission).

Submission:

Labcorp Genetics (formerly Invitae), Labcorp
Classification: Uncertain significance. Last evaluated: 2021-10-22. Review status: criteria provided, single submitter. Criteria: Invitae Variant Classification Sherloc (09022015). Collection method: clinical testing. Allele origin: germline.
Comment: This sequence change falls in intron 2 of the KPNA7 gene. It does not directly change the encoded amino acid sequence of the KPNA7 protein. It affects a nucleotide within the consensus splice site. This variant is not present in population databases (ExAC no frequency). This variant has not been reported in the literature in individuals affected with KPNA7-related conditions. Variants that disrupt the consensus splice site are a relatively common cause of aberrant splicing (PMID: 17576681, 9536098). Algorithms developed to predict the effect of sequence changes on RNA splicing suggest that this variant may disrupt the consensus splice site. In summary, the available evidence is currently insufficient to determine the role of this variant in disease. Therefore, it has been classified as a Variant of Uncertain Significance.

Literature cited by the submitters: PubMed 17576681; PubMed 9536098.

NM_001145715.3(KPNA7):c.202-3C>A

Gene: KPNA7 (karyopherin subunit alpha 7; minus strand). Cytogenetic location: 7q22.1.
Variant type: single nucleotide variant.
Coding change: c.202-3C>A on transcript NM_001145715.3 (MANE Select); 3 bases into the intron before coding-DNA position 202, C replaced by A.
Molecular consequence: intron variant.
Genome position (GRCh38, 1-based): chr7:99,196,169, G>T on the plus strand (C>A on the coding strand, the complement: KPNA7 is on the minus strand). VCF-style: chr7-99196169-G-T. GRCh37 (hg19) VCF-style: chr7-98793792-G-T.
Identifiers: ClinVar variation 1388685 (VCV001388685.6), dbSNP rs2150752841, ClinGen allele CA2573142536.